The following is an entry in ClinVar:

NM_001134363.3(RBM20):c.1689C>T (p.Tyr563=)

Gene: RBM20 (RNA binding motif protein 20; plus strand). Cytogenetic location: 10q25.2.
Variant type: single nucleotide variant.
Coding change: c.1689C>T on transcript NM_001134363.3 (MANE Select); coding-DNA position 1689, C replaced by T.
Protein change: p.Tyr563=; no amino-acid change (tyrosine 563 retained).
Molecular consequence: synonymous variant.
Genome position (GRCh38, 1-based): chr10:110,799,807, C>T. VCF-style: chr10-110799807-C-T. GRCh37 (hg19) VCF-style: chr10-112559565-C-T.
Other names: c.1689C>T (NM_001134363.2).
Identifiers: ClinVar variation 2081476 (VCV002081476.6), dbSNP rs1340341182, ClinGen allele CA471369189.

ClinVar aggregate classification (germline): Likely benign. Review status: criteria provided, multiple submitters, no conflicts (2 of 4 stars). 3 submissions from 3 submitters: Likely benign (3). Last evaluated 2025-12-08.

Conditions:
Cardiovascular phenotype. Identifiers: MedGen CN230736.
Dilated cardiomyopathy 1DD (CMD1DD). Identifiers: Orphanet 154, MedGen C2750995, MONDO:0013168, OMIM 613172.

Allele frequency attached by ClinVar (database versions not stated): gnomAD 0.00001; gnomAD exomes 0.00001.
gnomAD v4.1: 15 of 1,551,256 alleles (0.00097%); highest among the groups gnomAD compares: Non-Finnish European, 0.0011%; no homozygotes.

Submissions (3):

Labcorp Genetics (formerly Invitae), Labcorp
Classification: Likely benign for Dilated cardiomyopathy 1DD. Last evaluated: 2025-12-08. Review status: criteria provided, single submitter. Criteria: Invitae Variant Classification Sherloc (09022015). Collection method: clinical testing. Allele origin: germline.

Molecular Diagnostic Laboratory for Inherited Cardiovascular Disease, Montreal Heart Institute
Classification: Likely benign. Last evaluated: 2025-07-24. Review status: criteria provided, single submitter. Criteria: ACMG Guidelines, 2015. Collection method: clinical testing. Allele origin: germline. Affected: no.
Comment: BP7

Ambry Genetics
Classification: Likely benign for Cardiovascular phenotype. Last evaluated: 2024-02-25. Review status: criteria provided, single submitter. Criteria: Ambry Variant Classification Scheme 2023. Collection method: clinical testing. Allele origin: germline.